The following is an entry in ClinVar:

ClinVar aggregate classification (germline): Pathogenic/Likely pathogenic. Review status: criteria provided, multiple submitters, no conflicts (2 of 4 stars). 2 submissions from 2 submitters: Pathogenic (1); Likely pathogenic (1). Last evaluated 2023-07-10.

Conditions:
SUCLG1-related disorder. Also called: SUCLG1-related condition.
Mitochondrial DNA depletion syndrome 9 (MTDPS9). Also called: SUCLG1-Related Mitochondrial DNA Depletion Syndrome, Encephalomyopathic Form with Methylmalonic Aciduria. Identifiers: Orphanet 17, MedGen C3151476, MONDO:0009504, OMIM 245400.

Submissions (2):

Labcorp Genetics (formerly Invitae), Labcorp
Classification: Pathogenic for Mitochondrial DNA depletion syndrome 9. Last evaluated: 2023-07-10. Review status: criteria provided, single submitter. Criteria: Invitae Variant Classification Sherloc (09022015). Collection method: clinical testing. Allele origin: germline.
Comment: This variant has not been reported in the literature in individuals affected with SUCLG1-related conditions. This variant is not present in population databases (gnomAD no frequency). This sequence change creates a premature translational stop signal (p.Lys57Aspfs*45) in the SUCLG1 gene. It is expected to result in an absent or disrupted protein product. Loss-of-function variants in SUCLG1 are known to be pathogenic (PMID: 20693550). ClinVar contains an entry for this variant (Variation ID: 1375896). For these reasons, this variant has been classified as Pathogenic.

Blueprint Genetics
Classification: Likely pathogenic for SUCLG1-related disorders. Last evaluated: 2021-08-25. Review status: criteria provided, single submitter. Criteria: ACMG Guidelines, 2015. Collection method: clinical testing. Allele origin: germline. Affected: yes. Observed: 1 variant allele.

Literature cited by the submitters: PubMed 20693550 (cited by Labcorp Genetics (formerly Invitae), Labcorp).

NM_003849.4(SUCLG1):c.169_170del (p.Lys57fs)

Gene: SUCLG1 (succinate-CoA ligase GDP/ADP-forming subunit alpha; minus strand). Cytogenetic location: 2p11.2.
Variant type: Deletion.
Coding change: c.169_170del on transcript NM_003849.4 (MANE Select); coding-DNA positions 169 to 170, 2 bases deleted (AA; older notation c.169_170delAA).
Protein change: p.Lys57fs; shifts the reading frame from lysine 57.
Molecular consequence: frameshift variant.
Genome position (GRCh38, 1-based): chr2:84,449,680-84,449,681, TT deleted on the plus strand (AA on the coding strand, the reverse complement: SUCLG1 is on the minus strand); deleting any 2 consecutive bases within chr2:84,449,680-84,449,682 gives the same sequence; the c. name uses the placement nearest the transcript's 3' end. VCF-style (leftmost placement, unchanged base first): chr2-84449679-CTT-C. GRCh37 (hg19) VCF-style: chr2-84676803-CTT-C.
Other names: short protein forms K57fs.
Identifiers: ClinVar variation 1375896 (VCV001375896.7), dbSNP rs1672907018, ClinGen allele CA1032975520.